The following is an entry in ClinVar:

NM_001478.5(B4GALNT1):c.217G>A (p.Gly73Arg)

Gene: B4GALNT1 (beta-1,4-N-acetyl-galactosaminyltransferase 1; minus strand). Cytogenetic location: 12q13.3.
Variant type: single nucleotide variant.
Coding change: c.217G>A on transcript NM_001478.5 (MANE Select); coding-DNA position 217, G replaced by A.
Protein change: p.Gly73Arg; replaces glycine 73 with arginine.
Molecular consequence: missense variant.
Genome position (GRCh38, 1-based): chr12:57,631,916, C>T on the plus strand (G>A on the coding strand, the complement: B4GALNT1 is on the minus strand). VCF-style: chr12-57631916-C-T. GRCh37 (hg19) VCF-style: chr12-58025699-C-T.
Other names: c.217G>A, p.Gly73Arg (NM_001276468.2, NM_001276469.2); short protein forms G73R.
Identifiers: ClinVar variation 1392223 (VCV001392223.6), dbSNP rs867792876, ClinGen allele CA385502293.
Genomic context (GRCh38, chr12:57,631,916, plus strand): 5'-AAAAGCCCCCAGACCACCCCCAGCGAGCGCTGCGCTGCGCCGCCGCGGTCGGCACTCACC[C>T]CACTACTTGCTCCTTGATCCTGACCGGGATGTGTGCGTAGCGGGGCTCAGGAGCAAGATC-3'
Protein context (NP_001469.1, residues 63-83): IPVRIKEQVV[Gly73Arg]LLAWNNCSCE

ClinVar aggregate classification (germline): Uncertain significance (1 of 4 stars; one submission).

Conditions:
Spastic paraplegia. Identifiers: MedGen C0037772, HP:0001258.

Submission:

Labcorp Genetics (formerly Invitae), Labcorp
Classification: Uncertain significance for Spastic paraplegia. Last evaluated: 2025-09-02. Review status: criteria provided, single submitter. Criteria: Invitae Variant Classification Sherloc (09022015). Collection method: clinical testing. Allele origin: germline.
Comment: This sequence change replaces glycine, which is neutral and non-polar, with arginine, which is basic and polar, at codon 73 of the B4GALNT1 protein (p.Gly73Arg). This variant is not present in population databases (gnomAD no frequency). This variant has not been reported in the literature in individuals affected with B4GALNT1-related conditions. ClinVar contains an entry for this variant (Variation ID: 1392223). An algorithm developed to predict the effect of missense changes on protein structure and function outputs the following: PolyPhen-2: "Benign". The arginine amino acid residue is found in multiple mammalian species, which suggests that this missense change does not adversely affect protein function. In summary, the available evidence is currently insufficient to determine the role of this variant in disease. Therefore, it has been classified as a Variant of Uncertain Significance.